The following is an entry in ClinVar:

ClinVar aggregate classification (germline): Uncertain significance (1 of 4 stars; one submission).

Allele frequency attached by ClinVar (database versions not stated): gnomAD exomes below 0.00001 and 0.00001; gnomAD 0.00002; ExAC 0.00003.
gnomAD v4.1: 5 of 1,613,610 alleles (0.00031%); highest among the groups gnomAD compares: East Asian, 0.011%; no homozygotes.

Submission:

Women's Health and Genetics/Laboratory Corporation of America, LabCorp
Classification: Uncertain significance. Last evaluated: 2020-01-27. Review status: criteria provided, single submitter. Criteria: LabCorp Variant Classification Summary - May 2015. Collection method: clinical testing. Allele origin: germline.
Comment: Variant summary: A2ML1 c.2765-18T>A alters a non-conserved nucleotide located close to a canonical splice site and therefore could affect mRNA splicing, leading to a significantly altered protein sequence. 4/4 computational tools predict no significant impact on normal splicing. However, these predictions have yet to be confirmed by functional studies. The variant allele was found at a frequency of 8e-06 in 249286 control chromosomes (gnomAD). The available data on variant occurrences in the general population are insufficient to allow any conclusion about variant significance. To our knowledge, no occurrence of c.2765-18T>A in individuals affected with Noonan Syndrome and no experimental evidence demonstrating its impact on protein function have been reported. No clinical diagnostic laboratories have submitted clinical-significance assessments for this variant to ClinVar after 2014. Based on the evidence outlined above, the variant was classified as uncertain significance.

NM_144670.6(A2ML1):c.2765-18T>A

Gene: A2ML1 (alpha-2-macroglobulin like 1; plus strand). Cytogenetic location: 12p13.31.
Variant type: single nucleotide variant.
Coding change: c.2765-18T>A on transcript NM_144670.6 (MANE Select); 18 bases into the intron before coding-DNA position 2765, T replaced by A.
Molecular consequence: intron variant.
Genome position (GRCh38, 1-based): chr12:8,855,491, T>A. VCF-style: chr12-8855491-T-A. GRCh37 (hg19) VCF-style: chr12-9008087-T-A.
Other names: c.1292-18T>A (NM_001282424.3).
Identifiers: ClinVar variation 917591 (VCV000917591.1), dbSNP rs759540195, ClinGen allele CA6436144.
Genomic context (GRCh38, chr12:8,855,491, plus strand): 5'-TTCTTCTAAAATTTTGTCTTGAGAACCCCTGCCATTCCCCATCTTCTATTGTGTCACCTT[T>A]TTTTCTGCATCTCACAGGAAAGGTGGCATCTGAATCTGTCTCCCTGGAGCTCCCAGTGGA-3'